The following is an entry in ClinVar:

NM_001367823.1(ARHGEF18):c.2419G>A (p.Glu807Lys)

Gene: ARHGEF18 (Rho/Rac guanine nucleotide exchange factor 18; plus strand). Cytogenetic location: 19p13.2.
Variant type: single nucleotide variant.
Coding change: c.2419G>A on transcript NM_001367823.1 (MANE Select); coding-DNA position 2419, G replaced by A.
Protein change: p.Glu807Lys; replaces glutamic acid 807 with lysine.
Molecular consequence: missense variant.
Genome position (GRCh38, 1-based): chr19:7,459,961, G>A. VCF-style: chr19-7459961-G-A. GRCh37 (hg19) VCF-style: chr19-7524847-G-A.
Other names: c.1693G>A, p.Glu565Lys (NM_001130955.2); c.1381G>A, p.Glu461Lys (NM_001367824.1, NM_015318.4); short protein forms E565K, E807K, E461K.
Identifiers: ClinVar variation 1348765 (VCV001348765.6), dbSNP rs756754281, ClinGen allele CA9136828.

ClinVar aggregate classification (germline): Uncertain significance (1 of 4 stars; one submission).

Allele frequency attached by ClinVar (database versions not stated): gnomAD 0.00001; gnomAD exomes 0.00001; ExAC 0.00007.
gnomAD v4.1: 8 of 1,588,886 alleles (0.0005%); highest among the groups gnomAD compares: South Asian, 0.0034%; no homozygotes.

Submission:

Labcorp Genetics (formerly Invitae), Labcorp
Classification: Uncertain significance. Last evaluated: 2022-10-04. Review status: criteria provided, single submitter. Criteria: Invitae Variant Classification Sherloc (09022015). Collection method: clinical testing. Allele origin: germline.
Comment: In summary, the available evidence is currently insufficient to determine the role of this variant in disease. Therefore, it has been classified as a Variant of Uncertain Significance. Algorithms developed to predict the effect of missense changes on protein structure and function (SIFT, PolyPhen-2, Align-GVGD) all suggest that this variant is likely to be disruptive. ClinVar contains an entry for this variant (Variation ID: 1348765). This variant has not been reported in the literature in individuals affected with ARHGEF18-related conditions. The frequency data for this variant in the population databases is considered unreliable, as metrics indicate poor data quality at this position in the gnomAD database. This sequence change replaces glutamic acid, which is acidic and polar, with lysine, which is basic and polar, at codon 619 of the ARHGEF18 protein (p.Glu619Lys).